The following is an entry in ClinVar:

NM_005458.8(GABBR2):c.1889T>C (p.Met630Thr)

Gene: GABBR2 (gamma-aminobutyric acid type B receptor subunit 2; minus strand). Cytogenetic location: 9q22.33.
Variant type: single nucleotide variant.
Coding change: c.1889T>C on transcript NM_005458.8 (MANE Select); coding-DNA position 1889, T replaced by C.
Protein change: p.Met630Thr; replaces methionine 630 with threonine.
Molecular consequence: missense variant.
Genome position (GRCh38, 1-based): chr9:98,362,719, A>G on the plus strand (T>C on the coding strand, the complement: GABBR2 is on the minus strand). VCF-style: chr9-98362719-A-G. GRCh37 (hg19) VCF-style: chr9-101125001-A-G.
Other names: short protein forms M630T.
Identifiers: ClinVar variation 949036 (VCV000949036.9), dbSNP rs1831607786, ClinGen allele CA374212136.

ClinVar aggregate classification (germline): Uncertain significance (1 of 4 stars; one submission).

Conditions:
Epileptic encephalopathy. Identifiers: MedGen C0543888, HP:0200134.

Allele frequency attached by ClinVar (database versions not stated): gnomAD exomes below 0.00001; TOPMed below 0.00001.
gnomAD v4.1: 4 of 1,581,522 alleles (0.00025%); highest among the groups gnomAD compares: Non-Finnish European, 0.00034%; no homozygotes.

Submission:

Labcorp Genetics (formerly Invitae), Labcorp
Classification: Uncertain significance for Epileptic encephalopathy. Last evaluated: 2022-03-15. Review status: criteria provided, single submitter. Criteria: Invitae Variant Classification Sherloc (09022015). Collection method: clinical testing. Allele origin: germline.
Comment: In summary, the available evidence is currently insufficient to determine the role of this variant in disease. Therefore, it has been classified as a Variant of Uncertain Significance. Algorithms developed to predict the effect of missense changes on protein structure and function are either unavailable or do not agree on the potential impact of this missense change (SIFT: "Deleterious"; PolyPhen-2: "Benign"; Align-GVGD: "Class C0"). ClinVar contains an entry for this variant (Variation ID: 949036). This variant has not been reported in the literature in individuals affected with GABBR2-related conditions. This variant is not present in population databases (gnomAD no frequency). This sequence change replaces methionine, which is neutral and non-polar, with threonine, which is neutral and polar, at codon 630 of the GABBR2 protein (p.Met630Thr).